The following is an entry in ClinVar:

NM_001015880.2(PAPSS2):c.1079A>T (p.His360Leu)

Gene: PAPSS2 (3'-phosphoadenosine 5'-phosphosulfate synthase 2; plus strand). Cytogenetic location: 10q23.31.
Variant type: single nucleotide variant.
Coding change: c.1079A>T on transcript NM_001015880.2 (MANE Select); coding-DNA position 1079, A replaced by T.
Protein change: p.His360Leu; replaces histidine 360 with leucine.
Molecular consequence: missense variant.
Genome position (GRCh38, 1-based): chr10:87,727,482, A>T. VCF-style: chr10-87727482-A-T. GRCh37 (hg19) VCF-style: chr10-89487239-A-T.
Other names: c.1064A>T, p.His355Leu (NM_004670.4); short protein forms H355L, H360L.
Identifiers: ClinVar variation 1062720 (VCV001062720.9), dbSNP rs1450000750, ClinGen allele CA377489714.

ClinVar aggregate classification (germline): Uncertain significance (1 of 4 stars; one submission).

Conditions:
Spondyloepimetaphyseal dysplasia, PAPSS2 type. Also called: SEMD, PAKISTANI TYPE; BRACHYOLMIA TYPE 4 WITH MILD EPIPHYSEAL AND METAPHYSEAL CHANGES; SPONDYLODYSPLASIA AND PREMATURE PUBARCHE. Identifiers: Orphanet 93282, MedGen C2748516, MONDO:0019666, OMIM 612847.

Allele frequency attached by ClinVar (database versions not stated): TOPMed below 0.00001; gnomAD exomes 0.00001.
gnomAD v4.1: 6 of 1,611,198 alleles (0.00037%); highest among the groups gnomAD compares: Non-Finnish European, 0.00051%; no homozygotes.

Submission:

Labcorp Genetics (formerly Invitae), Labcorp
Classification: Uncertain significance for Spondyloepimetaphyseal dysplasia, PAPSS2 type. Last evaluated: 2020-09-02. Review status: criteria provided, single submitter. Criteria: Invitae Variant Classification Sherloc (09022015). Collection method: clinical testing. Allele origin: germline.
Comment: In summary, the available evidence is currently insufficient to determine the role of this variant in disease. Therefore, it has been classified as a Variant of Uncertain Significance. Algorithms developed to predict the effect of missense changes on protein structure and function (SIFT, PolyPhen-2, Align-GVGD) all suggest that this variant is likely to be tolerated, but these predictions have not been confirmed by published functional studies and their clinical significance is uncertain. This variant has not been reported in the literature in individuals with PAPSS2-related conditions. This variant is not present in population databases (ExAC no frequency). This sequence change replaces histidine with leucine at codon 360 of the PAPSS2 protein (p.His360Leu). The histidine residue is moderately conserved and there is a moderate physicochemical difference between histidine and leucine.